The following is an entry in ClinVar:

NM_005228.5(EGFR):c.2771C>T (p.Ser924Phe)

Gene: EGFR (epidermal growth factor receptor; plus strand). Cytogenetic location: 7p11.2.
Variant type: single nucleotide variant.
Coding change: c.2771C>T on transcript NM_005228.5 (MANE Select); coding-DNA position 2771, C replaced by T.
Protein change: p.Ser924Phe; replaces serine 924 with phenylalanine.
Molecular consequence: missense variant.
Genome position (GRCh38, 1-based): chr7:55,198,786, C>T. VCF-style: chr7-55198786-C-T. GRCh37 (hg19) VCF-style: chr7-55266479-C-T.
Other names: c.2636C>T, p.Ser879Phe (NM_001346897.2, NM_001346899.2); c.2771C>T, p.Ser924Phe (NM_001346898.2); c.2612C>T, p.Ser871Phe (NM_001346900.2); c.1970C>T, p.Ser657Phe (NM_001346941.2); short protein forms S871F, S879F, S924F, S657F.
Identifiers: ClinVar variation 4639882 (VCV004639882.1).
Genomic context (GRCh38, chr7:55,198,786, plus strand): 5'-TTTGGGAGTTGATGACCTTTGGATCCAAGCCATATGACGGAATCCCTGCCAGCGAGATCT[C>T]CTCCATCCTGGAGAAAGGAGAACGCCTCCCTCAGCCACCCATATGTACCATCGATGTCTA-3'
Protein context (NP_005219.2, residues 914-934): PYDGIPASEI[Ser924Phe]SILEKGERLP

ClinVar aggregate classification (germline): Uncertain significance (1 of 4 stars; one submission).

Conditions:
Hereditary cancer-predisposing syndrome. Also called: Neoplastic Syndromes, Hereditary; Tumor predisposition; Hereditary Cancer Syndrome; Hereditary neoplastic syndrome. Identifiers: Orphanet 140162, MedGen C0027672, MeSH D009386, MONDO:0015356.

gnomAD v4.1: 1 of 1,613,972 alleles (0.000062%); highest among the groups gnomAD compares: Non-Finnish European, 0.000085%; no homozygotes.

Submission:

Ambry Genetics
Classification: Uncertain significance for Hereditary cancer-predisposing syndrome. Last evaluated: 2025-11-26. Review status: criteria provided, single submitter. Criteria: Ambry Variant Classification Scheme 2023. Collection method: clinical testing. Allele origin: germline.
Comment: The p.S924F variant (also known as c.2771C>T), located in coding exon 23 of the EGFR gene, results from a C to T substitution at nucleotide position 2771. The serine at codon 924 is replaced by phenylalanine, an amino acid with highly dissimilar properties. This amino acid position is conserved. In addition, the in silico prediction for this alteration is inconclusive. Based on the available evidence, the clinical significance of this variant remains unclear.